The following is an entry in ClinVar:

ClinVar aggregate classification (germline): Benign. Review status: criteria provided, multiple submitters, no conflicts (2 of 4 stars). 4 submissions from 4 submitters: Benign (3). 1 of the submissions does not count toward it. Last evaluated 2026-01-12.

Conditions:
MCM2-related disorder. Also called: MCM2-related condition.

Allele frequency attached by ClinVar (database versions not stated): gnomAD exomes 0.00042 and 0.00124; ExAC 0.00157; 1000 Genomes Project 0.00419; 1000 Genomes Project 30x 0.00437; TOPMed 0.00536; ESP Exome Variant Server 0.00577.
gnomAD v4.1: 1,322 of 1,614,040 alleles (0.082%); highest among the groups gnomAD compares: African/African-American, 1.6%; 11 homozygotes.

Submissions (4):

Labcorp Genetics (formerly Invitae), Labcorp
Classification: Benign. Last evaluated: 2026-01-12. Review status: criteria provided, single submitter. Criteria: Invitae Variant Classification Sherloc (09022015). Collection method: clinical testing. Allele origin: germline.

Mayo Clinic Laboratories, Mayo Clinic
Classification: Benign. Last evaluated: 2025-03-20. Review status: criteria provided, single submitter. Criteria: ACMG Guidelines, 2015. Collection method: clinical testing. Allele origin: germline. Observed: 1 variant allele.
Comment: BA1, BS2, BP4, BP7

GeneDx
Classification: Benign. Last evaluated: 2019-02-15. Review status: criteria provided, single submitter. Criteria: GeneDx Variant Classification Process June 2021. Collection method: clinical testing. Allele origin: germline. Affected: yes.

PreventionGenetics, part of Exact Sciences
Classification: Benign for MCM2-related condition. Last evaluated: 2019-07-15. Review status: no assertion criteria provided. Collection method: clinical testing. Allele origin: germline. Not counted in ClinVar's aggregate classification.
Comment: This variant is classified as benign based on ACMG/AMP sequence variant interpretation guidelines (Richards et al. 2015 PMID: 25741868, with internal and published modifications).

NM_004526.4(MCM2):c.1986G>A (p.Val662=)

Gene: MCM2 (minichromosome maintenance complex component 2; plus strand). Cytogenetic location: 3q21.3.
Variant type: single nucleotide variant.
Coding change: c.1986G>A on transcript NM_004526.4 (MANE Select); coding-DNA position 1986, G replaced by A.
Protein change: p.Val662=; no amino-acid change (valine 662 retained).
Molecular consequence: synonymous variant. On other transcripts: non-coding transcript variant (1).
Genome position (GRCh38, 1-based): chr3:127,618,054, G>A. VCF-style: chr3-127618054-G-A. GRCh37 (hg19) VCF-style: chr3-127336897-G-A.
Other names: p.Val662=.
Identifiers: ClinVar variation 712508 (VCV000712508.13), dbSNP rs138093592, ClinGen allele CA2596075.
Genomic context (GRCh38, chr3:127,618,054, plus strand): 5'-TTTCTCTGAGAACGTGGACCTCACAGAGCCCATCATCTCACGCTTTGACATCCTGTGTGT[G>A]GTGAGGGACACCGTGGACCCAGTCCAGGTATAGCTCACATGTGCCCGGTTTCCATGAACT-3'
Protein context (NP_004517.2, residues 652-672): PIISRFDILC[Val662=]VRDTVDPVQD